The following is an entry in ClinVar:

ClinVar aggregate classification (germline): Uncertain significance (1 of 4 stars; one submission).

gnomAD v4.1: 18 of 1,557,478 alleles (0.0012%); highest among the groups gnomAD compares: African/African-American, 0.0014%; no homozygotes.

Submission:

GeneDx
Classification: Uncertain significance. Last evaluated: 2024-05-15. Review status: criteria provided, single submitter. Criteria: GeneDx Variant Classification Process June 2021. Collection method: clinical testing. Allele origin: germline. Affected: yes.
Comment: In silico analysis indicates that this missense variant does not alter protein structure/function; Has not been previously published as pathogenic or benign germline variant to our knowledge; This variant is associated with the following publications: (PMID: 29512829)

NM_003482.4(KMT2D):c.14035G>T (p.Ala4679Ser)

Gene: KMT2D (lysine methyltransferase 2D; minus strand). Cytogenetic location: 12q13.12.
Variant type: single nucleotide variant.
Coding change: c.14035G>T on transcript NM_003482.4 (MANE Select); coding-DNA position 14035, G replaced by T.
Protein change: p.Ala4679Ser; replaces alanine 4679 with serine.
Molecular consequence: missense variant.
Genome position (GRCh38, 1-based): chr12:49,029,441, C>A on the plus strand (G>T on the coding strand, the complement: KMT2D is on the minus strand). VCF-style: chr12-49029441-C-A. GRCh37 (hg19) VCF-style: chr12-49423224-C-A.
Other names: short protein forms A4679S.
Identifiers: ClinVar variation 3377916 (VCV003377916.1).